The following is an entry in ClinVar:

NM_006506.5(RASA2):c.946A>G (p.Thr316Ala)

Gene: RASA2 (RAS p21 protein activator 2; plus strand). Cytogenetic location: 3q23.
Variant type: single nucleotide variant.
Coding change: c.946A>G on transcript NM_006506.5 (MANE Select); coding-DNA position 946, A replaced by G.
Protein change: p.Thr316Ala; replaces threonine 316 with alanine.
Molecular consequence: missense variant.
Genome position (GRCh38, 1-based): chr3:141,570,994, A>G. VCF-style: chr3-141570994-A-G. GRCh37 (hg19) VCF-style: chr3-141289836-A-G.
Other names: c.946A>G (NM_006506.2); c.946A>G, p.Thr316Ala (NM_001303245.3, NM_001303246.3); short protein forms T316A.
Identifiers: ClinVar variation 1427606 (VCV001427606.7), dbSNP rs762525788, ClinGen allele CA84645960.

ClinVar aggregate classification (germline): Uncertain significance. Review status: criteria provided, multiple submitters, no conflicts (2 of 4 stars). 2 submissions from 2 submitters: Uncertain significance (2). Last evaluated 2025-07-28.

Allele frequency attached by ClinVar (database versions not stated): TOPMed below 0.00001; gnomAD 0.00001; gnomAD exomes 0.00001.
gnomAD v4.1: 13 of 1,612,566 alleles (0.00081%); highest among the groups gnomAD compares: Middle Eastern, 0.016%; no homozygotes.

Submissions (2):

Ambry Genetics
Classification: Uncertain significance. Last evaluated: 2025-07-28. Review status: criteria provided, single submitter. Criteria: Ambry Variant Classification Scheme 2023. Collection method: clinical testing. Allele origin: germline.
Comment: The p.T316A variant (also known as c.946A>G), located in coding exon 10 of the RASA2 gene, results from an A to G substitution at nucleotide position 946. The threonine at codon 316 is replaced by alanine, an amino acid with similar properties. This amino acid position is conserved. In addition, this alteration is predicted to be tolerated by in silico analysis. Based on the available evidence, the clinical significance of this variant remains unclear.

Labcorp Genetics (formerly Invitae), Labcorp
Classification: Uncertain significance. Last evaluated: 2021-09-07. Review status: criteria provided, single submitter. Criteria: Invitae Variant Classification Sherloc (09022015). Collection method: clinical testing. Allele origin: germline.
Comment: This sequence change replaces threonine with alanine at codon 316 of the RASA2 protein (p.Thr316Ala). The threonine residue is highly conserved and there is a small physicochemical difference between threonine and alanine. This variant is not present in population databases (ExAC no frequency). This variant has not been reported in the literature in individuals affected with RASA2-related conditions. Algorithms developed to predict the effect of missense changes on protein structure and function (SIFT, PolyPhen-2, Align-GVGD) all suggest that this variant is likely to be tolerated. In summary, the available evidence is currently insufficient to determine the role of this variant in disease. Therefore, it has been classified as a Variant of Uncertain Significance.